The following is an entry in ClinVar:

NM_003468.4(FZD5):c.395del (p.Ser132fs)

Gene: FZD5 (frizzled class receptor 5; minus strand). Cytogenetic location: 2q33.3.
Variant type: Deletion.
Coding change: c.395del on transcript NM_003468.4 (MANE Select); coding-DNA position 395, one base deleted (G; older notation c.395delG).
Protein change: p.Ser132fs; shifts the reading frame from serine 132.
Molecular consequence: frameshift variant.
Genome position (GRCh38, 1-based): chr2:207,768,345, C deleted on the plus strand (G on the coding strand, the reverse complement: FZD5 is on the minus strand). VCF-style (leftmost placement, unchanged base first): chr2-207768344-GC-G. GRCh37 (hg19) VCF-style: chr2-208633068-GC-G.
Other names: NM_003468.4:c.395del; short protein forms S132fs.
Identifiers: ClinVar variation 4070926 (VCV004070926.1).

ClinVar aggregate classification (germline): Uncertain significance (1 of 4 stars; one submission).

Conditions:
Microphthalmia/coloboma 11 (MCOPCB11). Identifiers: MedGen C5935584, MONDO:0958239, OMIM 620731.

Submission:

Broad Center for Mendelian Genomics, Broad Institute of MIT and Harvard
Classification: Uncertain significance for Microphthalmia/coloboma 11. Last evaluated: 2025-06-18. Review status: criteria provided, single submitter. Criteria: ACMG Guidelines, 2015. Collection method: curation. Allele origin: germline. Inheritance: Autosomal dominant inheritance. Study: GREGoR Consortium.
Comment: The heterozygous p.Ser132ThrfsTer69 variant in FZD5 was identified by our study in 3 affected family members with microphthalmia and coloboma. The p.Ser132ThrfsTer69 variant in FZD5 has not been previously reported in the literature in individuals with microphthalmia/coloboma, and was absent from large population studies. This variant is predicted to cause a frameshift, which alters the protein’s amino acid sequence beginning at position 132 and leads to a premature termination codon 69 amino acids downstream. This gene is a single exon gene and is more likely to escape nonsense mediated decay (NMD) and result in a truncated protein. Heterozygous loss of function of the FZD5 gene is an established disease mechanism in microphthalmia and coloboma. Furthermore, although this gene has been reported in association with microphthalmia/coloboma, it currently has moderate evidence for these associations. In summary, while there is some suspicion for a pathogenic role, the clinical significance of this variant is uncertain. ACMG/AMP Criteria applied: PVS1_strong, PM2_supporting (Richards 2015).